The following is an entry in ClinVar:

ClinVar aggregate classification (germline): Uncertain significance (0 of 4 stars; one submission).

Conditions:
PIK3CA-related disorder. Also called: PIK3CA- related disease; PIK3CA-related condition; PIK3CA-related disorders.

Submission:

PreventionGenetics, part of Exact Sciences
Classification: Uncertain significance for PIK3CA-related condition. Last evaluated: 2024-05-23. Review status: no assertion criteria provided. Collection method: clinical testing. Allele origin: germline.
Comment: The PIK3CA c.1162A>G variant is predicted to result in the amino acid substitution p.Asn388Asp. To our knowledge, this variant has not been reported in the literature or in a large population database, indicating this variant is rare. At this time, the clinical significance of this variant is uncertain due to the absence of conclusive functional and genetic evidence.

NM_006218.4(PIK3CA):c.1162A>G (p.Asn388Asp)

Gene: PIK3CA (phosphatidylinositol-4,5-bisphosphate 3-kinase catalytic subunit alpha; plus strand). Cytogenetic location: 3q26.32.
Variant type: single nucleotide variant.
Coding change: c.1162A>G on transcript NM_006218.4 (MANE Select); coding-DNA position 1162, A replaced by G.
Protein change: p.Asn388Asp; replaces asparagine 388 with aspartic acid.
Molecular consequence: missense variant.
Genome position (GRCh38, 1-based): chr3:179,209,611, A>G. VCF-style: chr3-179209611-A-G. GRCh37 (hg19) VCF-style: chr3-178927399-A-G.
Other names: short protein forms N388D.
Identifiers: ClinVar variation 3345216 (VCV003345216.1).